The following is an entry in ClinVar:

NM_000138.5(FBN1):c.782A>T (p.Asn261Ile)

Gene: FBN1 (fibrillin 1; minus strand). Cytogenetic location: 15q21.1.
Variant type: single nucleotide variant.
Coding change: c.782A>T on transcript NM_000138.5 (MANE Select); coding-DNA position 782, A replaced by T.
Protein change: p.Asn261Ile; replaces asparagine 261 with isoleucine.
Molecular consequence: missense variant.
Genome position (GRCh38, 1-based): chr15:48,534,160, T>A on the plus strand (A>T on the coding strand, the complement: FBN1 is on the minus strand). VCF-style: chr15-48534160-T-A. GRCh37 (hg19) VCF-style: chr15-48826357-T-A.
Other names: short protein forms N261I.
Identifiers: ClinVar variation 921386 (VCV000921386.5), dbSNP rs1555401459, ClinGen allele CA392352633.

ClinVar aggregate classification (germline): Uncertain significance. Review status: criteria provided, multiple submitters, no conflicts (2 of 4 stars). 2 submissions from 2 submitters: Uncertain significance (2). Last evaluated 2024-03-06.

Conditions:
Familial thoracic aortic aneurysm and aortic dissection (TAAD). Also called: Thoracic aortic aneurysms and dissections. Identifiers: Orphanet 91387, MedGen C4707243, MONDO:0019625.

Submissions (2):

Color Diagnostics, LLC DBA Color Health
Classification: Uncertain significance for Familial thoracic aortic aneurysm and aortic dissection. Last evaluated: 2024-03-06. Review status: criteria provided, single submitter. Criteria: ACMG Guidelines, 2015. Collection method: clinical testing. Allele origin: germline.
Comment: This missense variant replaces asparagine with isoleucine at codon 261 of the FBN1 protein. Computational prediction suggests that this variant may not impact protein structure and function (internally defined REVEL score threshold <= 0.5, PMID: 27666373). Splice site prediction tools suggest that this variant may not impact RNA splicing. To our knowledge, functional studies have not been performed for this variant. This variant has not been reported in individuals affected with cardiovascular disorders in the literature. This variant has not been identified in the general population by the Genome Aggregation Database (gnomAD). The available evidence is insufficient to determine the role of this variant in disease conclusively. Therefore, this variant is classified as a Variant of Uncertain Significance.

Breakthrough Genomics
Classification: Uncertain significance. Review status: criteria provided, single submitter. Criteria: ACMG Guidelines, 2015. Collection method: not provided. Allele origin: germline. Inheritance: Autosomal dominant inheritance. Affected: yes.